The following is an entry in ClinVar:

ClinVar aggregate classification (germline): Uncertain significance (1 of 4 stars; one submission).

Submission:

GeneDx
Classification: Uncertain significance. Last evaluated: 2024-09-30. Review status: criteria provided, single submitter. Criteria: GeneDx Variant Classification Process June 2021. Collection method: clinical testing. Allele origin: germline. Affected: yes.
Comment: Not observed at significant frequency in large population cohorts (gnomAD); In silico analysis supports that this missense variant has a deleterious effect on protein structure/function; Has not been previously published as pathogenic or benign to our knowledge

NM_000142.5(FGFR3):c.2078C>G (p.Ser693Cys)

Gene: FGFR3 (fibroblast growth factor receptor 3; plus strand). Cytogenetic location: 4p16.3.
Variant type: single nucleotide variant.
Coding change: c.2078C>G on transcript NM_000142.5 (MANE Select); coding-DNA position 2078, C replaced by G.
Protein change: p.Ser693Cys; replaces serine 693 with cysteine.
Molecular consequence: missense variant. On other transcripts: synonymous variant (1), non-coding transcript variant (1).
Genome position (GRCh38, 1-based): chr4:1,806,593, C>G. VCF-style: chr4-1806593-C-G. GRCh37 (hg19) VCF-style: chr4-1808320-C-G.
Other names: c.2084C>G, p.Ser695Cys (NM_001163213.2); c.2081C>G, p.Ser694Cys (NM_001354809.2); c.2010C>G, p.Leu670= (NM_001354810.2); c.1742C>G, p.Ser581Cys (NM_022965.4); short protein forms S581C, S693C, S694C, S695C.
Identifiers: ClinVar variation 3774808 (VCV003774808.1).